The following is an entry in ClinVar:

ClinVar aggregate classification (germline): Likely pathogenic (1 of 4 stars; one submission).

Conditions:
Dilated cardiomyopathy 1G (CMD1G). Identifiers: Orphanet 154, MedGen C1858763, MONDO:0011400, OMIM 604145.
Autosomal recessive limb-girdle muscular dystrophy type 2J (LGMDR10). Also called: Limb-girdle muscular dystrophy, type 2J; MUSCULAR DYSTROPHY, LIMB-GIRDLE, AUTOSOMAL RECESSIVE 10. Identifiers: Orphanet 140922, MedGen C1837342, MONDO:0012127, OMIM 608807.

Submission:

Labcorp Genetics (formerly Invitae), Labcorp
Classification: Likely pathogenic for Dilated cardiomyopathy 1G; Autosomal recessive limb-girdle muscular dystrophy type 2J. Last evaluated: 2024-08-28. Review status: criteria provided, single submitter. Criteria: Invitae Variant Classification Sherloc (09022015). Collection method: clinical testing. Allele origin: germline.
Comment: This sequence change creates a premature translational stop signal (p.Cys25669*) in the TTN gene. While this is not anticipated to result in nonsense mediated decay, it is expected to create a truncated TTN protein. Information on the frequency of this variant in the gnomAD database is not available, as this variant may be reported differently in the database. This variant has not been reported in the literature in individuals affected with TTN-related conditions. This variant is located in the A band of TTN (PMID: 25589632). Truncating variants in this region are significantly overrepresented in patients affected with dilated cardiomyopathy (PMID: 25589632). Truncating variants in this region have also been reported in individuals affected with autosomal recessive centronuclear myopathy (PMID: 23975875). In summary, the currently available evidence indicates that the variant is pathogenic, but additional data are needed to prove that conclusively. Therefore, this variant has been classified as Likely Pathogenic.

Literature cited by the submitters: PubMed 25589632; PubMed 23975875.

NM_001267550.2(TTN):c.77006_77007delinsAA (p.Cys25669Ter)

Genes: TTN (titin; minus strand), TTN-AS1 (TTN antisense RNA 1; plus strand). Cytogenetic location: 2q31.2.
Variant type: Indel.
Coding change: c.77006_77007delinsAA on transcript NM_001267550.2 (MANE Select); coding-DNA positions 77006 to 77007, GC replaced by AA.
Protein change: p.Cys25669Ter; replaces cysteine 25669 with a stop codon.
Molecular consequence: nonsense.
Genome position (GRCh38, 1-based): chr2:178,569,125-178,569,126, GC replaced by TT on the plus strand (GC replaced by AA on the coding strand, the reverse complement: TTN is on the minus strand). VCF-style: chr2-178569125-GC-TT. GRCh37 (hg19) VCF-style: chr2-179433852-GC-TT.
Other names: c.72083_72084delinsAA, p.Cys24028Ter (NM_001256850.1); c.49811_49812delinsAA, p.Cys16604Ter (NM_003319.4); c.69302_69303delinsAA, p.Cys23101Ter (NM_133378.4); c.50186_50187delinsAA, p.Cys16729Ter (NM_133432.3); c.50387_50388delinsAA, p.Cys16796Ter (NM_133437.4); short protein forms C16604*, C16729*, C16796*, C23101*, C24028*, C25669*.
Identifiers: ClinVar variation 3757850 (VCV003757850.2).